The following is an entry in ClinVar:

NC_000017.10:g.(?_57721617)_(57771213_?)del

Gene: CLTC (clathrin heavy chain; plus strand). Cytogenetic location: 17q23.1.
Variant type: Deletion.
Identifiers: ClinVar variation 3243140 (VCV003243140.1).

ClinVar aggregate classification (germline): Pathogenic (1 of 4 stars; one submission).

Submission:

Labcorp Genetics (formerly Invitae), Labcorp
Classification: Pathogenic. Last evaluated: 2024-01-12. Review status: criteria provided, single submitter. Criteria: Invitae Variant Classification Sherloc (09022015). Collection method: clinical testing. Allele origin: unknown.
Comment: This variant is a gross deletion of the genomic region encompassing exon(s) 2-32 of the CLTC gene, which includes the termination codon. This deletion extends beyond the assayed region for this gene and therefore may encompass additional genes. While this deletion is not anticipated to lead to nonsense mediated decay, it is expected to alter mRNA translation or result in a truncated protein product. This variant has not been reported in the literature in individuals affected with CLTC-related conditions. This variant disrupts a region of the CLTC protein in which other variant(s) (p.Asp1435Gly) have been determined to be pathogenic (Invitae). This suggests that this is a clinically significant region of the protein, and that variants that disrupt it are likely to be disease-causing. For these reasons, this variant has been classified as Pathogenic.